The following is an entry in ClinVar:

NM_012193.4(FZD4):c.546C>G (p.His182Gln)

Genes: FZD4 (frizzled class receptor 4; minus strand), PRSS23 (serine protease 23; plus strand). Cytogenetic location: 11q14.2.
Variant type: single nucleotide variant.
Coding change: c.546C>G on transcript NM_012193.4 (MANE Select); coding-DNA position 546, C replaced by G.
Protein change: p.His182Gln; replaces histidine 182 with glutamine.
Molecular consequence: missense variant. On other transcripts: non-coding transcript variant (2).
Genome position (GRCh38, 1-based): chr11:86,952,210, G>C on the plus strand (C>G on the coding strand, the complement: FZD4 is on the minus strand). VCF-style: chr11-86952210-G-C. GRCh37 (hg19) VCF-style: chr11-86663252-G-C.
Other names: short protein forms H182Q.
Identifiers: ClinVar variation 1402509 (VCV001402509.8), dbSNP rs756589557, ClinGen allele CA382015665.

ClinVar aggregate classification (germline): Uncertain significance (1 of 4 stars; one submission).

Submission:

Labcorp Genetics (formerly Invitae), Labcorp
Classification: Uncertain significance. Last evaluated: 2023-07-10. Review status: criteria provided, single submitter. Criteria: Invitae Variant Classification Sherloc (09022015). Collection method: clinical testing. Allele origin: germline.
Comment: In summary, the available evidence is currently insufficient to determine the role of this variant in disease. Therefore, it has been classified as a Variant of Uncertain Significance. Advanced modeling of protein sequence and biophysical properties (such as structural, functional, and spatial information, amino acid conservation, physicochemical variation, residue mobility, and thermodynamic stability) performed at Invitae indicates that this missense variant is not expected to disrupt FZD4 protein function. ClinVar contains an entry for this variant (Variation ID: 1402509). This variant has not been reported in the literature in individuals affected with FZD4-related conditions. This variant is not present in population databases (gnomAD no frequency). This sequence change replaces histidine, which is basic and polar, with glutamine, which is neutral and polar, at codon 182 of the FZD4 protein (p.His182Gln).